The following is an entry in ClinVar:

NM_000535.7(PMS2):c.2281_2284dup (p.Thr762fs)

Gene: PMS2 (PMS1 homolog 2, mismatch repair system component; minus strand). Cytogenetic location: 7p22.1.
Variant type: Duplication.
Coding change: c.2281_2284dup on transcript NM_000535.7 (MANE Select); coding-DNA positions 2281 to 2284, 4 bases duplicated (GTCA; older notation c.2281_2284dupGTCA).
Protein change: p.Thr762fs; shifts the reading frame from threonine 762.
Molecular consequence: frameshift variant. On other transcripts: intron variant (2).
Genome position (GRCh38, 1-based): chr7:5,977,749-5,977,752, TGAC duplicated on the plus strand (GTCA on the coding strand, the reverse complement: PMS2 is on the minus strand); duplicating any 4 consecutive bases within chr7:5,977,749-5,977,754 gives the same sequence; the c. name uses the placement nearest the transcript's 3' end. VCF-style (leftmost placement, unchanged base first): chr7-5977748-G-GTGAC. GRCh37 (hg19) VCF-style: chr7-6017379-G-GTGAC.
Other names: c.2158_2161dup, p.Thr721fs (NM_001406870.1); c.2113_2116dup, p.Thr706fs (NM_001406872.1, NM_001406874.1); c.2083_2086dup, p.Thr696fs (NM_001406873.1); c.2005_2008dup, p.Thr670fs (NM_001406875.1); c.1996_1999dup, p.Thr667fs (NM_001406876.1); c.1972_1975dup, p.Thr659fs (NM_001406877.1, NM_001406878.1, NM_001406879.1 and 4 more transcripts); c.1963_1966dup, p.Thr656fs (NM_001406883.1, NM_001322007.2, NM_001322008.2); c.1957_1960dup, p.Thr654fs (NM_001406884.1); and 20 more; short protein forms T361fs, T451fs, T505fs, T571fs, T575fs, T591fs, T600fs, T604fs.
Identifiers: ClinVar variation 4856710 (VCV004856710.1).

ClinVar aggregate classification (germline): Pathogenic (1 of 4 stars; one submission).

Conditions:
Lynch syndrome 4 (LYNCH4). Also called: Colorectal cancer, hereditary nonpolyposis, type 4; Hereditary non-polyposis colorectal cancer, type 4. Identifiers: Orphanet 144, MedGen C1838333, MONDO:0013699, OMIM 614337. Disease mechanism: loss of function.

Submission:

Myriad Genetics, Inc.
Classification: Pathogenic for Lynch syndrome 4. Last evaluated: 2026-01-13. Review status: criteria provided, single submitter. Criteria: Myriad Autosomal Dominant, Autosomal Recessive and X-Linked Classification Criteria (2023). Collection method: clinical testing. Allele origin: unknown.
Comment: This variant is considered pathogenic. This variant creates a frameshift predicted to result in premature protein truncation.